The following is an entry in ClinVar:

ClinVar aggregate classification (germline): Uncertain significance (1 of 4 stars; one submission).

Conditions:
Cardiovascular phenotype. Identifiers: MedGen CN230736.

Submission:

Ambry Genetics
Classification: Uncertain significance for Cardiovascular phenotype. Last evaluated: 2023-08-30. Review status: criteria provided, single submitter. Criteria: Ambry Variant Classification Scheme 2023. Collection method: clinical testing. Allele origin: germline.
Comment: The p.I974V variant (also known as c.2920A>G), located in coding exon 22 of the DMD gene, results from an A to G substitution at nucleotide position 2920. The isoleucine at codon 974 is replaced by valine, an amino acid with highly similar properties. This amino acid position is well conserved in available vertebrate species. In addition, this alteration is predicted to be tolerated by in silico analysis. Since supporting evidence is limited at this time, the clinical significance of this alteration remains unclear.

NM_004006.3(DMD):c.2920A>G (p.Ile974Val)

Gene: DMD (dystrophin; minus strand). Cytogenetic location: Xp21.1.
Variant type: single nucleotide variant.
Coding change: c.2920A>G on transcript NM_004006.3 (MANE Select); coding-DNA position 2920, A replaced by G.
Protein change: p.Ile974Val; replaces isoleucine 974 with valine.
Molecular consequence: missense variant.
Genome position (GRCh38, 1-based): chrX:32,472,193, T>C on the plus strand (A>G on the coding strand, the complement: DMD is on the minus strand). VCF-style: chrX-32472193-T-C. GRCh37 (hg19) VCF-style: chrX-32490310-T-C.
Other names: c.2896A>G, p.Ile966Val (NM_000109.4); c.2908A>G, p.Ile970Val (NM_004009.3); c.2551A>G, p.Ile851Val (NM_004010.3); short protein forms I851V, I966V, I970V, I974V.
Identifiers: ClinVar variation 2626680 (VCV002626680.2), dbSNP rs2524675607, ClinGen allele CA412667902.
Genomic context (GRCh38, chrX:32,472,193, plus strand): 5'-TTATTGTTTTGACATTCAAATATTCACAGACCTGCAATTCCCCGAGTCTCTGCTCCATGA[T>C]TTCATAGTCGGTGACACTAAGTTGAGGTATGGAGAGTTTGGTTTCTGACTGCTGGACCCA-3'
Protein context (NP_003997.2, residues 964-984): IPQLSVTDYE[Ile974Val]MEQRLGELQA